The following is an entry in ClinVar:

ClinVar aggregate classification (germline): Uncertain significance. Review status: criteria provided, multiple submitters, no conflicts (2 of 4 stars). 4 submissions from 4 submitters: Uncertain significance (4). Last evaluated 2025-08-07.

Conditions:
Bardet-Biedl syndrome (BBS). Identifiers: Orphanet 110, MedGen C0752166, MONDO:0015229.
BBS7-related disorder. Also called: BBS7-related condition.
Inborn genetic diseases. Identifiers: MedGen C0950123, MeSH D030342.

Allele frequency attached by ClinVar (database versions not stated): gnomAD exomes 0.00001 and 0.00002; ExAC 0.00002; gnomAD 0.00005 and 0.00006; ESP Exome Variant Server 0.00008; TOPMed 0.00012; 1000 Genomes Project 30x 0.00016; 1000 Genomes Project 0.00020.

Submissions (4):

PreventionGenetics, part of Exact Sciences
Classification: Uncertain significance for BBS7-related condition. Last evaluated: 2025-08-07. Review status: criteria provided, single submitter. Criteria: ACMG Guidelines, 2015. Collection method: clinical testing. Allele origin: germline.
Comment: The BBS7 c.1142T>C variant is predicted to result in the amino acid substitution p.Ile381Thr. To our knowledge, this variant has not been reported in the literature. This variant is reported in 0.018% of alleles in individuals of African descent in gnomAD. At this time, the clinical significance of this variant is uncertain due to the absence of conclusive functional and genetic evidence.

Ambry Genetics
Classification: Uncertain significance for Inborn genetic diseases. Last evaluated: 2025-06-18. Review status: criteria provided, single submitter. Criteria: Ambry Variant Classification Scheme 2023. Collection method: clinical testing. Allele origin: germline.

Labcorp Genetics (formerly Invitae), Labcorp
Classification: Uncertain significance for Bardet-Biedl syndrome. Last evaluated: 2022-10-04. Review status: criteria provided, single submitter. Criteria: Invitae Variant Classification Sherloc (09022015). Collection method: clinical testing. Allele origin: germline.
Comment: This sequence change replaces isoleucine, which is neutral and non-polar, with threonine, which is neutral and polar, at codon 381 of the BBS7 protein (p.Ile381Thr). This variant is present in population databases (rs374288473, gnomAD 0.03%). This variant has not been reported in the literature in individuals affected with BBS7-related conditions. ClinVar contains an entry for this variant (Variation ID: 971439). Advanced modeling of protein sequence and biophysical properties (such as structural, functional, and spatial information, amino acid conservation, physicochemical variation, residue mobility, and thermodynamic stability) performed at Invitae indicates that this missense variant is not expected to disrupt BBS7 protein function. In summary, the available evidence is currently insufficient to determine the role of this variant in disease. Therefore, it has been classified as a Variant of Uncertain Significance.

Blueprint Genetics
Classification: Uncertain significance. Last evaluated: 2022-09-07. Review status: criteria provided, single submitter. Criteria: ACMG Guidelines, 2015. Collection method: clinical testing. Allele origin: germline.

NM_176824.3(BBS7):c.1142T>C (p.Ile381Thr)

Gene: BBS7 (Bardet-Biedl syndrome 7; minus strand). Cytogenetic location: 4q27.
Variant type: single nucleotide variant.
Coding change: c.1142T>C on transcript NM_176824.3 (MANE Select); coding-DNA position 1142, T replaced by C.
Protein change: p.Ile381Thr; replaces isoleucine 381 with threonine.
Molecular consequence: missense variant.
Genome position (GRCh38, 1-based): chr4:121,845,592, A>G on the plus strand (T>C on the coding strand, the complement: BBS7 is on the minus strand). VCF-style: chr4-121845592-A-G. GRCh37 (hg19) VCF-style: chr4-122766747-A-G.
Other names: c.1142T>C, p.Ile381Thr (NM_018190.4); short protein forms I381T.
Identifiers: ClinVar variation 971439 (VCV000971439.7), dbSNP rs374288473, ClinGen allele CA3064314.